The following is an entry in ClinVar:

ClinVar aggregate classification (germline): Uncertain significance (1 of 4 stars; one submission).

gnomAD v4.1: 1 of 1,613,954 alleles (0.000062%); no homozygotes.

Submission:

GeneDx
Classification: Uncertain significance. Last evaluated: 2024-11-22. Review status: criteria provided, single submitter. Criteria: GeneDx Variant Classification Process June 2021. Collection method: clinical testing. Allele origin: germline. Affected: yes.
Comment: Not observed at significant frequency in large population cohorts (gnomAD); In silico analysis supports that this missense variant has a deleterious effect on protein structure/function; Has not been previously published as pathogenic or benign to our knowledge

NM_015981.4(CAMK2A):c.565C>T (p.Pro189Ser)

Gene: CAMK2A (calcium/calmodulin dependent protein kinase II alpha; minus strand). Cytogenetic location: 5q32.
Variant type: single nucleotide variant.
Coding change: c.565C>T on transcript NM_015981.4 (MANE Select); coding-DNA position 565, C replaced by T.
Protein change: p.Pro189Ser; replaces proline 189 with serine.
Molecular consequence: missense variant.
Genome position (GRCh38, 1-based): chr5:150,252,015, G>A on the plus strand (C>T on the coding strand, the complement: CAMK2A is on the minus strand). VCF-style: chr5-150252015-G-A. GRCh37 (hg19) VCF-style: chr5-149631578-G-A.
Other names: c.565C>T, p.Pro189Ser (NM_001363989.1, NM_001363990.1, NM_001369025.2 and 1 more transcripts); short protein forms P189S.
Identifiers: ClinVar variation 3900150 (VCV003900150.1).